The following is an entry in ClinVar:

ClinVar aggregate classification (germline): Benign/Likely benign. Review status: criteria provided, multiple submitters, no conflicts (2 of 4 stars). 8 submissions from 8 submitters: Benign (1); Likely benign (7). Last evaluated 2026-01-11.

Conditions:
Catecholaminergic polymorphic ventricular tachycardia (CVPT). Also called: Catecholamine-induced polymorphic ventricular tachycardia. Identifiers: Orphanet 3286, MedGen C5574922, MONDO:0017990.
Cardiovascular phenotype. Identifiers: MedGen CN230736.
Cardiomyopathy (CMYO). Also called: Cardiomyopathies. Identifiers: Orphanet 167848, MedGen C0878544, MONDO:0004994, HP:0001638. Inheritance: Various modes of inheritance.
Catecholaminergic polymorphic ventricular tachycardia 1. Also called: RYR2-Related Catecholaminergic Polymorphic Ventricular Tachycardia; VENTRICULAR TACHYCARDIA, CATECHOLAMINERGIC POLYMORPHIC, 1, WITH OR WITHOUT ATRIAL DYSFUNCTION AND/OR DILATED CARDIOMYOPATHY; VENTRICULAR TACHYCARDIA, STRESS-INDUCED POLYMORPHIC 1. Identifiers: Orphanet 3286, MedGen C1631597, MONDO:0011484, OMIM 604772.

Allele frequency attached by ClinVar (database versions not stated): gnomAD 0.00001; ExAC 0.00002; TOPMed 0.00002; gnomAD exomes 0.00003 and 0.00004.
gnomAD v4.1: 46 of 1,613,400 alleles (0.0029%); highest among the groups gnomAD compares: South Asian, 0.016%; no homozygotes.

Submissions (8):

Labcorp Genetics (formerly Invitae), Labcorp
Classification: Likely benign for Catecholaminergic polymorphic ventricular tachycardia 1. Last evaluated: 2026-01-11. Review status: criteria provided, single submitter. Criteria: Invitae Variant Classification Sherloc (09022015). Collection method: clinical testing. Allele origin: germline.

Women's Health and Genetics/Laboratory Corporation of America, LabCorp
Classification: Benign. Last evaluated: 2025-11-05. Review status: criteria provided, single submitter. Criteria: LabCorp Variant Classification Summary - May 2015. Collection method: clinical testing. Allele origin: germline.

CeGaT Center for Human Genetics Tuebingen
Classification: Likely benign. Last evaluated: 2025-08-01. Review status: criteria provided, single submitter. Criteria: CeGaT Center For Human Genetics Tuebingen Variant Classification Criteria Version 2. Collection method: clinical testing. Allele origin: germline. Affected: yes. Observed: 2 variant alleles.
Comment: RYR2: BP4, BP7

All of Us Research Program, National Institutes of Health
Classification: Likely benign for Catecholaminergic polymorphic ventricular tachycardia. Last evaluated: 2023-12-01. Review status: criteria provided, single submitter. Criteria: ACMG Guidelines, 2015. Collection method: clinical testing. Allele origin: germline. Inheritance: Autosomal dominant inheritance. Observed: 5 variant alleles, 5 heterozygotes.
Comment: This study involves interpretation of variants in research participants for the purpose of population health screening. Participant phenotype was not available at the time of variant classification. Additional details can be found in publication PMID: 35346344, PMCID: PMC8962531

Blueprint Genetics
Classification: Likely benign. Last evaluated: 2022-09-09. Review status: criteria provided, single submitter. Criteria: ACMG Guidelines, 2015. Collection method: clinical testing. Allele origin: germline.

Ambry Genetics
Classification: Likely benign for Cardiovascular phenotype. Last evaluated: 2019-11-24. Review status: criteria provided, single submitter. Criteria: Ambry Variant Classification Scheme 2023. Collection method: clinical testing. Allele origin: germline.

GeneDx
Classification: Likely benign. Last evaluated: 2019-10-29. Review status: criteria provided, single submitter. Criteria: GeneDx Variant Classification Process June 2021. Collection method: clinical testing. Allele origin: germline. Affected: yes.
Comment: This variant is associated with the following publications: (PMID: no PMID)

Color Diagnostics, LLC DBA Color Health
Classification: Likely benign for Cardiomyopathy. Last evaluated: 2018-11-27. Review status: criteria provided, single submitter. Criteria: ACMG Guidelines, 2015. Collection method: clinical testing. Allele origin: germline.

NM_001035.3(RYR2):c.1353C>T (p.Ser451=)

Gene: RYR2 (ryanodine receptor 2; plus strand). Cytogenetic location: 1q43.
Variant type: single nucleotide variant.
Coding change: c.1353C>T on transcript NM_001035.3 (MANE Select); coding-DNA position 1353, C replaced by T.
Protein change: p.Ser451=; no amino-acid change (serine 451 retained).
Molecular consequence: synonymous variant.
Genome position (GRCh38, 1-based): chr1:237,454,451, C>T. VCF-style: chr1-237454451-C-T. GRCh37 (hg19) VCF-style: chr1-237617751-C-T.
Identifiers: ClinVar variation 681759 (VCV000681759.27), dbSNP rs764245031, ClinGen allele CA085399.